The following is an entry in ClinVar:

ClinVar aggregate classification (germline): Uncertain significance (1 of 4 stars; one submission).

Submission:

Labcorp Genetics (formerly Invitae), Labcorp
Classification: Uncertain significance. Last evaluated: 2023-03-31. Review status: criteria provided, single submitter. Criteria: Invitae Variant Classification Sherloc (09022015). Collection method: clinical testing. Allele origin: germline.
Comment: ClinVar contains an entry for this variant (Variation ID: 1447810). This sequence change replaces glutamic acid, which is acidic and polar, with aspartic acid, which is acidic and polar, at codon 199 of the DARS2 protein (p.Glu199Asp). This variant is not present in population databases (gnomAD no frequency). This variant has not been reported in the literature in individuals affected with DARS2-related conditions. Advanced modeling of protein sequence and biophysical properties (such as structural, functional, and spatial information, amino acid conservation, physicochemical variation, residue mobility, and thermodynamic stability) performed at Invitae indicates that this missense variant is expected to disrupt DARS2 protein function. In summary, the available evidence is currently insufficient to determine the role of this variant in disease. Therefore, it has been classified as a Variant of Uncertain Significance.

NM_018122.5(DARS2):c.597A>C (p.Glu199Asp)

Gene: DARS2 (aspartyl-tRNA synthetase 2, mitochondrial; plus strand). Cytogenetic location: 1q25.1.
Variant type: single nucleotide variant.
Coding change: c.597A>C on transcript NM_018122.5 (MANE Select); coding-DNA position 597, A replaced by C.
Protein change: p.Glu199Asp; replaces glutamic acid 199 with aspartic acid.
Molecular consequence: missense variant.
Genome position (GRCh38, 1-based): chr1:173,833,480, A>C. VCF-style: chr1-173833480-A-C. GRCh37 (hg19) VCF-style: chr1-173802618-A-C.
Other names: c.597A>C, p.Glu199Asp (NM_001365212.1, NM_001365213.2); short protein forms E199D.
Identifiers: ClinVar variation 1447810 (VCV001447810.6), dbSNP rs2102641330, ClinGen allele CA343760163.
Genomic context (GRCh38, chr1:173,833,480, plus strand): 5'-TAGTTTCCAAATGCAGTATAACCTGCGACTGAGGTCCCAGATGGTCATGAAAATGCGGGA[A>C]TATCTCTGTAATCTGCATGGTAAGAGAAATGCCTGGATGCTCTTTGGAGCTTTGTAGCAT-3'
Protein context (NP_060592.2, residues 189-209): LRSQMVMKMR[Glu199Asp]YLCNLHGFVD